The following is an entry in ClinVar:

ClinVar aggregate classification (germline): Uncertain significance (1 of 4 stars; one submission).

Allele frequency attached by ClinVar (database versions not stated): gnomAD exomes below 0.00001.
gnomAD v4.1: 1 of 1,614,142 alleles (0.000062%); highest among the groups gnomAD compares: East Asian, 0.0022%; no homozygotes.

Submission:

Labcorp Genetics (formerly Invitae), Labcorp
Classification: Uncertain significance. Last evaluated: 2022-08-22. Review status: criteria provided, single submitter. Criteria: Invitae Variant Classification Sherloc (09022015). Collection method: clinical testing. Allele origin: germline.
Comment: This sequence change replaces alanine, which is neutral and non-polar, with glycine, which is neutral and non-polar, at codon 525 of the USH1C protein (p.Ala525Gly). This variant is not present in population databases (gnomAD no frequency). This variant has not been reported in the literature in individuals affected with USH1C-related conditions. ClinVar contains an entry for this variant (Variation ID: 1417897). Algorithms developed to predict the effect of missense changes on protein structure and function are either unavailable or do not agree on the potential impact of this missense change (SIFT: "Deleterious"; PolyPhen-2: "Probably Damaging"; Align-GVGD: "Class C0"). In summary, the available evidence is currently insufficient to determine the role of this variant in disease. Therefore, it has been classified as a Variant of Uncertain Significance.

NM_153676.4(USH1C):c.2474C>G (p.Ala825Gly)

Gene: USH1C (USH1 protein network component harmonin; minus strand). Cytogenetic location: 11p15.1.
Variant type: single nucleotide variant.
Coding change: c.2474C>G on transcript NM_153676.4 (MANE Select); coding-DNA position 2474, C replaced by G.
Protein change: p.Ala825Gly; replaces alanine 825 with glycine.
Molecular consequence: missense variant. On other transcripts: non-coding transcript variant (1).
Genome position (GRCh38, 1-based): chr11:17,498,178, G>C on the plus strand (C>G on the coding strand, the complement: USH1C is on the minus strand). VCF-style: chr11-17498178-G-C. GRCh37 (hg19) VCF-style: chr11-17519725-G-C.
Other names: c.1517C>G, p.Ala506Gly (NM_001297764.2); c.1574C>G, p.Ala525Gly (NM_005709.4); short protein forms A506G, A825G, A525G.
Identifiers: ClinVar variation 1417897 (VCV001417897.5), dbSNP rs1565018184, ClinGen allele CA379800449.